The following is an entry in ClinVar:

ClinVar aggregate classification (germline): Uncertain significance (1 of 4 stars; one submission).

Conditions:
Cardiovascular phenotype. Identifiers: MedGen CN230736.

Submission:

Ambry Genetics
Classification: Uncertain significance for Cardiovascular phenotype. Last evaluated: 2024-12-13. Review status: criteria provided, single submitter. Criteria: Ambry Variant Classification Scheme 2023. Collection method: clinical testing. Allele origin: germline.
Comment: The p.A39V variant (also known as c.116C>T), located in coding exon 1 of the GATAD1 gene, results from a C to T substitution at nucleotide position 116. The alanine at codon 39 is replaced by valine, an amino acid with similar properties. This amino acid position is conserved. In addition, this alteration is predicted to be tolerated by in silico analysis. Based on the available evidence, the clinical significance of this variant remains unclear.

NM_021167.5(GATAD1):c.116C>T (p.Ala39Val)

Genes: GATAD1 (GATA zinc finger domain containing 1; plus strand), LOC129998793 (ATAC-STARR-seq lymphoblastoid silent region 18371; plus strand). Cytogenetic location: 7q21.2.
Variant type: single nucleotide variant.
Coding change: c.116C>T on transcript NM_021167.5 (MANE Select); coding-DNA position 116, C replaced by T.
Protein change: p.Ala39Val; replaces alanine 39 with valine.
Molecular consequence: missense variant. On other transcripts: non-coding transcript variant (1).
Genome position (GRCh38, 1-based): chr7:92,447,845, C>T. VCF-style: chr7-92447845-C-T. GRCh37 (hg19) VCF-style: chr7-92077159-C-T.
Other names: short protein forms A39V.
Identifiers: ClinVar variation 3853056 (VCV003853056.1).
Genomic context (GRCh38, chr7:92,447,845, plus strand): 5'-TGTGGAAGAAGGGAGCGCAGGGGGAGATCCTCTGCCATCATTGCACTGGCCGGGGCGGCG[C>T]GGGCAGCGGGGGCGCAGGCTCGGGGGCGGCTGGAGGGACTGGGGGCAGCGGCGGCGGCGG-3'
Protein context (NP_066990.3, residues 29-49): LCHHCTGRGG[Ala39Val]GSGGAGSGAA